The following is an entry in ClinVar:

NM_004100.5(EYA4):c.848A>G (p.Gln283Arg)

Gene: EYA4 (EYA transcriptional coactivator and phosphatase 4; plus strand). Cytogenetic location: 6q23.2.
Variant type: single nucleotide variant.
Coding change: c.848A>G on transcript NM_004100.5 (MANE Select); coding-DNA position 848, A replaced by G.
Protein change: p.Gln283Arg; replaces glutamine 283 with arginine.
Molecular consequence: missense variant.
Genome position (GRCh38, 1-based): chr6:133,468,609, A>G. VCF-style: chr6-133468609-A-G. GRCh37 (hg19) VCF-style: chr6-133789747-A-G.
Other names: c.848A>G (NM_004100.4); c.686A>G, p.Gln229Arg (NM_001301012.2, NM_001370459.1); c.848A>G, p.Gln283Arg (NM_001301013.2, NM_172105.4); c.779A>G, p.Gln260Arg (NM_001370458.1, NM_172103.4); short protein forms Q229R, Q260R, Q283R.
Identifiers: ClinVar variation 1438124 (VCV001438124.8), dbSNP rs376151731, ClinGen allele CA148051426.
Genomic context (GRCh38, chr6:133,468,609, plus strand): 5'-CTCAATTATTGTTTCAGGATTATCCATCCTATACAGCCTTTGGCCAAAACCAGTATGCAC[A>G]GTATTATTCAGCATCAACGTATGGAGCGTATATGACATCGAATAACACAGCCGATGGCAC-3'
Protein context (NP_004091.3, residues 273-293): YTAFGQNQYA[Gln283Arg]YYSASTYGAY

ClinVar aggregate classification (germline): Uncertain significance. Review status: criteria provided, multiple submitters, no conflicts (2 of 4 stars). 2 submissions from 2 submitters: Uncertain significance (2). Last evaluated 2025-09-26.

Conditions:
Cardiovascular phenotype. Identifiers: MedGen CN230736.
Dilated cardiomyopathy 1J (CMD1J). Also called: CARDIOMYOPATHY, DILATED, WITH SENSORINEURAL HEARING LOSS, AUTOSOMAL DOMINANT. Identifiers: Orphanet 217622, MedGen C1854368, MONDO:0011541, OMIM 605362.

Allele frequency attached by ClinVar (database versions not stated): gnomAD exomes 0.00001 and 0.00003; gnomAD 0.00003; TOPMed 0.00003; ESP Exome Variant Server 0.00008.
gnomAD v4.1: 41 of 1,612,704 alleles (0.0025%); highest among the groups gnomAD compares: African/African-American, 0.004%; no homozygotes.

Submissions (2):

Ambry Genetics
Classification: Uncertain significance for Cardiovascular phenotype. Last evaluated: 2025-09-26. Review status: criteria provided, single submitter. Criteria: Ambry Variant Classification Scheme 2023. Collection method: clinical testing. Allele origin: germline.

Labcorp Genetics (formerly Invitae), Labcorp
Classification: Uncertain significance for Dilated cardiomyopathy 1J. Last evaluated: 2025-07-10. Review status: criteria provided, single submitter. Criteria: Invitae Variant Classification Sherloc (09022015). Collection method: clinical testing. Allele origin: germline.
Comment: This sequence change replaces glutamine, which is neutral and polar, with arginine, which is basic and polar, at codon 283 of the EYA4 protein (p.Gln283Arg). This variant is present in population databases (rs376151731, gnomAD 0.01%). This variant has not been reported in the literature in individuals affected with EYA4-related conditions. ClinVar contains an entry for this variant (Variation ID: 1438124). Invitae Evidence Modeling of protein sequence and biophysical properties (such as structural, functional, and spatial information, amino acid conservation, physicochemical variation, residue mobility, and thermodynamic stability) indicates that this missense variant is not expected to disrupt EYA4 protein function with a negative predictive value of 80%. In summary, the available evidence is currently insufficient to determine the role of this variant in disease. Therefore, it has been classified as a Variant of Uncertain Significance.